The following is an entry in ClinVar:

NM_006019.4(TCIRG1):c.412C>T (p.Pro138Ser)

Gene: TCIRG1 (T cell immune regulator 1, ATPase H+ transporting V0 subunit a3; plus strand). Cytogenetic location: 11q13.2.
Variant type: single nucleotide variant.
Coding change: c.412C>T on transcript NM_006019.4 (MANE Select); coding-DNA position 412, C replaced by T.
Protein change: p.Pro138Ser; replaces proline 138 with serine.
Molecular consequence: missense variant. On other transcripts: 5 prime UTR variant (1).
Genome position (GRCh38, 1-based): chr11:68,042,858, C>T. VCF-style: chr11-68042858-C-T. GRCh37 (hg19) VCF-style: chr11-67810325-C-T.
Other names: c.-838C>T (NM_001351059.2); short protein forms P138S.
Identifiers: ClinVar variation 751253 (VCV000751253.16), dbSNP rs35354504, ClinGen allele CA6146707.

ClinVar aggregate classification (germline): Benign/Likely benign. Review status: criteria provided, multiple submitters, no conflicts (2 of 4 stars). 5 submissions from 5 submitters: Benign (1); Likely benign (2). 2 of the submissions do not count toward it. Last evaluated 2026-01-11.

Conditions:
TCIRG1-related disorder. Also called: TCIRG1-related condition.
Autosomal recessive osteopetrosis 1. Also called: TCIRG1-Related Autosomal Recessive Osteopetrosis; TCIRG1-Related Osteopetrosis; ALBERS-SCHONBERG DISEASE, AUTOSOMAL RECESSIVE. Identifiers: Orphanet 667, MedGen C1850127, MONDO:0009815, OMIM 259700.

Allele frequency attached by ClinVar (database versions not stated): 1000 Genomes Project 30x 0.00016; 1000 Genomes Project 0.00020; TOPMed 0.00034; gnomAD exomes 0.00045 and 0.00107; gnomAD 0.00074 and 0.00118; ExAC 0.00092.
gnomAD v4.1: 777 of 1,549,714 alleles (0.05%); highest among the groups gnomAD compares: Middle Eastern, 0.17%; 5 homozygotes.

Submissions (5):

Labcorp Genetics (formerly Invitae), Labcorp
Classification: Benign. Last evaluated: 2026-01-11. Review status: criteria provided, single submitter. Criteria: Invitae Variant Classification Sherloc (09022015). Collection method: clinical testing. Allele origin: germline.

Women's Health and Genetics/Laboratory Corporation of America, LabCorp
Classification: Likely benign. Last evaluated: 2025-11-17. Review status: criteria provided, single submitter. Criteria: LabCorp Variant Classification Summary - May 2015. Collection method: clinical testing. Allele origin: germline.
Comment: Variant summary: TCIRG1 c.412C>T (p.Pro138Ser) results in a non-conservative amino acid change in the encoded protein sequence. Algorithms developed to predict the effect of missense changes on protein structure and function are either unavailable or do not agree on the potential impact of this missense change. The variant allele was found at a frequency of 0.0011 in 181268 control chromosomes, predominantly at a frequency of 0.0053 within the Finnish subpopulation in the gnomAD database, including 3 homozygotes. The observed variant frequency within Finnish control individuals in the gnomAD database exceeds the estimated maximal expected allele frequency for disease-causing variants in TCIRG1. To our knowledge, no occurrence of c.412C>T in individuals affected with TCIRG1-related conditions and no experimental evidence demonstrating its impact on protein function have been reported. ClinVar contains an entry for this variant (Variation ID: 751253). Based on the evidence outlined above, the variant was classified as likely benign.

Blueprint Genetics
Classification: Likely benign. Last evaluated: 2024-11-20. Review status: criteria provided, single submitter. Criteria: ACMG Guidelines, 2015. Collection method: clinical testing. Allele origin: germline.

Natera, Inc.
Classification: Benign for Infantile malignant osteopetrosis. Last evaluated: 2020-09-16. Review status: no assertion criteria provided. Collection method: clinical testing. Allele origin: germline. Not counted in ClinVar's aggregate classification.

PreventionGenetics, part of Exact Sciences
Classification: Likely benign for TCIRG1-related condition. Last evaluated: 2020-03-03. Review status: no assertion criteria provided. Collection method: clinical testing. Allele origin: germline. Not counted in ClinVar's aggregate classification.
Comment: This variant is classified as likely benign based on ACMG/AMP sequence variant interpretation guidelines (Richards et al. 2015 PMID: 25741868, with internal and published modifications).